The following is an entry in ClinVar:

ClinVar aggregate classification (germline): Uncertain significance (1 of 4 stars; one submission).

Allele frequency attached by ClinVar (database versions not stated): gnomAD 0.00002 and 0.00003; gnomAD exomes 0.00002 and 0.00004; ExAC 0.00005; TOPMed 0.00005; 1000 Genomes Project 30x 0.00031; 1000 Genomes Project 0.00040.
gnomAD v4.1: 33 of 1,606,576 alleles (0.0021%); highest among the groups gnomAD compares: East Asian, 0.056%; no homozygotes.

Submission:

Labcorp Genetics (formerly Invitae), Labcorp
Classification: Uncertain significance. Last evaluated: 2025-04-14. Review status: criteria provided, single submitter. Criteria: Invitae Variant Classification Sherloc (09022015). Collection method: clinical testing. Allele origin: germline.
Comment: This sequence change replaces threonine, which is neutral and polar, with alanine, which is neutral and non-polar, at codon 39 of the NFKB1 protein (p.Thr39Ala). This variant is present in population databases (rs572127952, gnomAD 0.05%). This variant has not been reported in the literature in individuals affected with NFKB1-related conditions. ClinVar contains an entry for this variant (Variation ID: 1433221). Invitae Evidence Modeling of protein sequence and biophysical properties (such as structural, functional, and spatial information, amino acid conservation, physicochemical variation, residue mobility, and thermodynamic stability) indicates that this missense variant is not expected to disrupt NFKB1 protein function with a negative predictive value of 80%. Experimental studies have shown that this missense change does not substantially affect NFKB1 function (PMID: 34473196). In summary, the available evidence is currently insufficient to determine the role of this variant in disease. Therefore, it has been classified as a Variant of Uncertain Significance.

Literature cited by the submitters: PubMed 34473196.

NM_003998.4(NFKB1):c.115A>G (p.Thr39Ala)

Gene: NFKB1 (nuclear factor kappa B subunit 1; plus strand). Cytogenetic location: 4q24.
Variant type: single nucleotide variant.
Coding change: c.115A>G on transcript NM_003998.4 (MANE Select); coding-DNA position 115, A replaced by G.
Protein change: p.Thr39Ala; replaces threonine 39 with alanine.
Molecular consequence: missense variant.
Genome position (GRCh38, 1-based): chr4:102,529,911, A>G. VCF-style: chr4-102529911-A-G. GRCh37 (hg19) VCF-style: chr4-103451068-A-G.
Other names: c.115A>G, p.Thr39Ala (NM_001165412.2, NM_001319226.2, NM_001382625.1 and 2 more transcripts); c.76A>G, p.Thr26Ala (NM_001382628.1); short protein forms T26A, T39A.
Identifiers: ClinVar variation 1433221 (VCV001433221.6), dbSNP rs572127952, ClinGen allele CA3025802.